The following is an entry in ClinVar:

NM_001292034.3(TAB2):c.1020_1021del (p.Lys340fs)

Genes: TAB2 (TGF-beta activated kinase 1 (MAP3K7) binding protein 2; plus strand), LOC126859827 (BRD4-independent group 4 enhancer GRCh37_chr6:149699707-149700906; plus strand). Cytogenetic location: 6q25.1.
Variant type: Deletion.
Coding change: c.1020_1021del on transcript NM_001292034.3 (MANE Select); coding-DNA positions 1020 to 1021, 2 bases deleted (AC; older notation c.1020_1021delAC).
Protein change: p.Lys340fs; shifts the reading frame from lysine 340.
Molecular consequence: frameshift variant.
Genome position (GRCh38, 1-based): chr6:149,378,935-149,378,936, AC deleted. VCF-style (leftmost placement, unchanged base first): chr6-149378934-AAC-A. GRCh37 (hg19) VCF-style: chr6-149700070-AAC-A.
Other names: c.924_925del, p.Lys308fs (NM_001292035.3); c.1020_1021del, p.Lys340fs (NM_001369506.1, NM_015093.6); short protein forms K308fs, K340fs.
Identifiers: ClinVar variation 3068516 (VCV003068516.2), dbSNP rs2483392059, ClinGen allele CA2825001456.

ClinVar aggregate classification (germline): Pathogenic (1 of 4 stars; one submission).

Conditions:
Congenital heart defects, multiple types, 2 (CHTD2). Also called: Congenital heart defects, nonsyndromic, 2. Identifiers: Orphanet 664401, MedGen C3554279, MONDO:0014000, OMIM 614980.

Submission:

Center for Human Genetics and Genomic Medicine, Uniklinik Rwth Aachen
Classification: Pathogenic for Congenital heart defects, multiple types, 2. Last evaluated: 2024-04-10. Review status: criteria provided, single submitter. Criteria: ACMG Guidelines, 2015. Collection method: clinical testing. Allele origin: de novo. Inheritance: Autosomal dominant inheritance. Affected: yes.
Comment: The variant is absent from controls (gnomAD) and has not yet been reported to online databases like ClinVar or dbSNP. The variant creates a frameshift effect, likely leading to a loss of function. loss of function variants have been described as a common mechanism of disease in the TAB2 gene. ACMG criteria are PVS1, PS2, PM2. The variant meets our criteria to be classified as pathogenic.